The following is an entry in ClinVar:

NM_021728.4(OTX2):c.451G>A (p.Ala151Thr)

Gene: OTX2 (orthodenticle homeobox 2; minus strand). Cytogenetic location: 14q22.3.
Variant type: single nucleotide variant.
Coding change: c.451G>A on transcript NM_021728.4 (MANE Select); coding-DNA position 451, G replaced by A.
Protein change: p.Ala151Thr; replaces alanine 151 with threonine.
Molecular consequence: missense variant. On other transcripts: non-coding transcript variant (2).
Genome position (GRCh38, 1-based): chr14:56,802,178, C>T on the plus strand (G>A on the coding strand, the complement: OTX2 is on the minus strand). VCF-style: chr14-56802178-C-T. GRCh37 (hg19) VCF-style: chr14-57268896-C-T.
Other names: c.427G>A, p.Ala143Thr (NM_001270523.2, NM_001270524.2, NM_172337.3); c.451G>A, p.Ala151Thr (NM_001270525.2); short protein forms A143T, A151T.
Identifiers: ClinVar variation 943038 (VCV000943038.10), dbSNP rs770486100, ClinGen allele CA7200474.

ClinVar aggregate classification (germline): Uncertain significance (1 of 4 stars; one submission).

Conditions:
Anophthalmia-microphthalmia syndrome. Also called: Anophthalmia - microphthalmia; Anophthalmia/Microphthalmia. Identifiers: Orphanet 98555, MedGen C5680330, MONDO:0020147.

Allele frequency attached by ClinVar (database versions not stated): TOPMed 0.00002.
gnomAD v4.1: 3 of 1,613,916 alleles (0.00019%); highest among the groups gnomAD compares: African/African-American, 0.004%; no homozygotes.

Submission:

Labcorp Genetics (formerly Invitae), Labcorp
Classification: Uncertain significance for Anophthalmia-microphthalmia syndrome. Last evaluated: 2022-07-19. Review status: criteria provided, single submitter. Criteria: Invitae Variant Classification Sherloc (09022015). Collection method: clinical testing. Allele origin: germline.
Comment: This sequence change replaces alanine, which is neutral and non-polar, with threonine, which is neutral and polar, at codon 143 of the OTX2 protein (p.Ala143Thr). In summary, the available evidence is currently insufficient to determine the role of this variant in disease. Therefore, it has been classified as a Variant of Uncertain Significance. Algorithms developed to predict the effect of missense changes on protein structure and function (SIFT, PolyPhen-2, Align-GVGD) all suggest that this variant is likely to be tolerated. ClinVar contains an entry for this variant (Variation ID: 943038). This variant has not been reported in the literature in individuals affected with OTX2-related conditions. This variant is present in population databases (rs770486100, gnomAD 0.007%).